The following is an entry in ClinVar:

NM_001276270.2(MBD4):c.105-13T>C

Gene: MBD4 (methyl-CpG binding domain 4, DNA glycosylase; minus strand). Cytogenetic location: 3q21.3.
Variant type: single nucleotide variant.
Coding change: c.105-13T>C on transcript NM_001276270.2 (MANE Select); 13 bases into the intron before coding-DNA position 105, T replaced by C.
Molecular consequence: intron variant.
Genome position (GRCh38, 1-based): chr3:129,437,963, A>G on the plus strand (T>C on the coding strand, the complement: MBD4 is on the minus strand). VCF-style: chr3-129437963-A-G. GRCh37 (hg19) VCF-style: chr3-129156806-A-G.
Other names: c.105-13T>C (NM_001276273.2, NM_001276272.2, NM_003925.3 and 1 more transcripts).
Identifiers: ClinVar variation 3692812 (VCV003692812.3).
Genomic context (GRCh38, chr3:129,437,963, plus strand): 5'-TCCTCATCTTCTCCCACTCTTTCCAATTCCATAGCAACATCTTCTTTGCTGGAAAAACAA[A>G]GTCTAAGTGATTAACTTATTTAAAATTTATCTTCCACTGCCTACTCAGTTTTAATCCATG-3'

ClinVar aggregate classification (germline): Likely benign. Review status: criteria provided, multiple submitters, no conflicts (2 of 4 stars). 2 submissions from 2 submitters: Likely benign (2). Last evaluated 2026-06-08.

Conditions:
Tumor predisposition syndrome 2 (TPDS2). Also called: MBD4-Related Tumor Predisposition Syndrome; MBD4-associated neoplasia syndrome (MANS); MBD4-ASSOCIATED NEOPLASIA SYNDROME. Identifiers: Orphanet 661526, MedGen C5774186, MONDO:0859267, OMIM 619975.

Submissions (2):

Myriad Genetics, Inc.
Classification: Likely benign for Tumor predisposition syndrome 2. Last evaluated: 2026-06-08. Review status: criteria provided, single submitter. Criteria: Myriad Autosomal Dominant, Autosomal Recessive and X-Linked Classification Criteria (2023). Collection method: clinical testing. Allele origin: unknown.
Comment: This variant is considered likely benign. This variant is intronic and is not expected to impact mRNA splicing.

Labcorp Genetics (formerly Invitae), Labcorp
Classification: Likely benign. Last evaluated: 2024-08-05. Review status: criteria provided, single submitter. Criteria: Invitae Variant Classification Sherloc (09022015). Collection method: clinical testing. Allele origin: germline.